The following is an entry in ClinVar:

ClinVar aggregate classification (germline): Likely benign. Review status: criteria provided, single submitter (1 of 4 stars). 2 submissions from 2 submitters: Likely benign (1). 1 of the submissions does not count toward it. Last evaluated 2021-09-22.

Allele frequency attached by ClinVar (database versions not stated): gnomAD 0.00001; ExAC 0.00009; gnomAD exomes 0.00009.

Submissions (2):

Blueprint Genetics
Classification: Likely benign. Last evaluated: 2021-09-22. Review status: criteria provided, single submitter. Criteria: ACMG Guidelines, 2015. Collection method: clinical testing. Allele origin: germline.

Department of Pathology and Laboratory Medicine, Sinai Health System
Classification: Uncertain significance. Review status: no assertion criteria provided. Collection method: clinical testing. Allele origin: unknown. Affected: yes. Study: The Canadian Open Genetics Repository (COGR). Not counted in ClinVar's aggregate classification.
Comment: The SCAPER p.K179N variant was not identified in the literature nor was it identified in ClinVar, Cosmic, or LOVD 3.0 databases. The variant was identified in dbSNP (ID: rs755416814) and in control databases in 22 of 248988 chromosomes (0 homozygous) at a frequency of 0.000088 (Genome Aggregation Database March 6, 2019, v2.1.1). The variant was observed in the following populations: South Asian in 22 of 30592 chromosomes (freq: 0.000719), but was not observed in the African, Latino, Ashkenazi Jewish, East Asian, European (Finnish), European (non-Finnish), and Other populations. The p.Lys179 residue is conserved in mammals but not in more distantly related organisms however four out of five computational analyses (PolyPhen-2, SIFT, AlignGVGD, BLOSUM, MutationTaster) do not suggest a high likelihood of impact to the protein; this information is not predictive enough to rule out pathogenicity. The variant occurs outside of the splicing consensus sequence and two of four in silico or computational prediction software programs (SpliceSiteFinder, MaxEntScan, NNSPLICE, GeneSplicer) predict a greater than 10% difference in splicing; this is not very predictive of pathogenicity. In summary, based on the above information the clinical significance of this variant cannot be determined with certainty at this time. This variant is classified as a variant of uncertain significance.

NM_020843.4(SCAPER):c.939A>C (p.Lys313Asn)

Gene: SCAPER (S-phase cyclin A associated protein in the ER; minus strand). Cytogenetic location: 15q24.3.
Variant type: single nucleotide variant.
Coding change: c.939A>C on transcript NM_020843.4 (MANE Select); coding-DNA position 939, A replaced by C.
Protein change: p.Lys313Asn; replaces lysine 313 with asparagine.
Molecular consequence: missense variant. On other transcripts: non-coding transcript variant (1).
Genome position (GRCh38, 1-based): chr15:76,774,951, T>G on the plus strand (A>C on the coding strand, the complement: SCAPER is on the minus strand). VCF-style: chr15-76774951-T-G. GRCh37 (hg19) VCF-style: chr15-77067292-T-G.
Other names: c.201A>C, p.Lys67Asn (NM_001145923.2); c.939A>C, p.Lys313Asn (NM_001353009.2); c.537A>C, p.Lys179Asn (NM_001353010.2, NM_001353011.2, NM_001353012.2); short protein forms K179N, K313N, K67N.
Identifiers: ClinVar variation 1050122 (VCV001050122.2), dbSNP rs755416814, ClinGen allele CA7675062.